The following is an entry in ClinVar:

NM_181703.4(GJA5):c.834del (p.Lys278fs)

Genes: GJA5 (gap junction protein alpha 5; minus strand), LOC122128420 (Sharpr-MPRA regulatory region 3144; plus strand). Cytogenetic location: 1q21.2.
Variant type: Deletion.
Coding change: c.834del on transcript NM_181703.4 (MANE Select); coding-DNA position 834, one base deleted (A; older notation c.834delA).
Protein change: p.Lys278fs; shifts the reading frame from lysine 278.
Molecular consequence: frameshift variant.
Genome position (GRCh38, 1-based): chr1:147,758,405, T deleted on the plus strand (A on the coding strand, the reverse complement: GJA5 is on the minus strand); the first of 4 consecutive T bases (chr1:147,758,405-147,758,408); deleting any one gives the same sequence. VCF-style (leftmost placement, unchanged base first): chr1-147758404-AT-A. GRCh37 (hg19) VCF-style: chr1-147230512-AT-A.
Other names: c.834del, p.Lys278fs (NM_005266.7); short protein forms K278fs.
Identifiers: ClinVar variation 2011516 (VCV002011516.4), dbSNP rs2524608662, ClinGen allele CA2580060945.

ClinVar aggregate classification (germline): Uncertain significance (1 of 4 stars; one submission).

Conditions:
Atrial fibrillation, familial, 11 (ATFB11). Identifiers: MedGen C3279693, MONDO:0013544, OMIM 614049.
Atrial standstill 1 (ATRST1). Also called: Atrial standstill, digenic (GJA5/SCN5A); ATRIAL CARDIOMYOPATHY WITH HEART BLOCK; CARDIOMYOPATHY, FAMILIAL, WITH CONDUCTION DISTURBANCE. Identifiers: Orphanet 1344, MedGen C4551959, MONDO:0007171, OMIM 108770.

Submission:

Labcorp Genetics (formerly Invitae), Labcorp
Classification: Uncertain significance for Atrial fibrillation, familial, 11; Atrial standstill 1. Last evaluated: 2022-06-27. Review status: criteria provided, single submitter. Criteria: Invitae Variant Classification Sherloc (09022015). Collection method: clinical testing. Allele origin: germline.
Comment: In summary, the available evidence is currently insufficient to determine the role of this variant in disease. Therefore, it has been classified as a Variant of Uncertain Significance. Experimental studies and prediction algorithms are not available or were not evaluated, and the functional significance of this variant is currently unknown. This variant has not been reported in the literature in individuals affected with GJA5-related conditions. This variant is not present in population databases (gnomAD no frequency). This sequence change results in a frameshift in the GJA5 gene (p.Lys278Asnfs*106). While this is not anticipated to result in nonsense mediated decay, it is expected to disrupt the last 81 amino acid(s) of the GJA5 protein and extend the protein by 24 additional amino acid residues.